The following is an entry in ClinVar:

ClinVar aggregate classification (germline): Benign/Likely benign. Review status: criteria provided, multiple submitters, no conflicts (2 of 4 stars). 5 submissions from 5 submitters: Benign (1); Likely benign (2). 2 of the submissions do not count toward it. Last evaluated 2026-01-16.

Conditions:
Mucopolysaccharidosis, MPS-II (MPS2). Also called: Mucopolysaccharidosis type 2; Hunter Syndrome; IDURONATE 2-SULFATASE DEFICIENCY; Mucopolysaccharidosis Type II; Mucopolysaccharidosis with skin involvement; IDS deficiency. Identifiers: Orphanet 580, Orphanet 79388, MedGen C0026705, MONDO:0010674, OMIM 309900.

Allele frequency attached by ClinVar (database versions not stated): gnomAD exomes 0.00006 and 0.00009; ExAC 0.00008; ESP Exome Variant Server 0.00009; TOPMed 0.00011; gnomAD 0.00012 and 0.00015; 1000 Genomes Project 30x 0.00021; 1000 Genomes Project 0.00026.
gnomAD v4.1: 87 of 1,209,759 alleles (0.0072%); highest among the groups gnomAD compares: Middle Eastern, 0.16%; no homozygotes.

Submissions (5):

Labcorp Genetics (formerly Invitae), Labcorp
Classification: Benign for Mucopolysaccharidosis, MPS-II. Last evaluated: 2026-01-16. Review status: criteria provided, single submitter. Criteria: Invitae Variant Classification Sherloc (09022015). Collection method: clinical testing. Allele origin: germline.

GeneDx
Classification: Likely benign. Last evaluated: 2016-06-03. Review status: criteria provided, single submitter. Criteria: GeneDx Variant Classification (06012015). Collection method: clinical testing. Allele origin: germline. Affected: yes.
Comment: This variant is considered likely benign or benign based on one or more of the following criteria: it is a conservative change, it occurs at a poorly conserved position in the protein, it is predicted to be benign by multiple in silico algorithms, and/or has population frequency not consistent with disease.

Breakthrough Genomics
Classification: Likely benign. Review status: criteria provided, single submitter. Criteria: ACMG Guidelines, 2015. Collection method: not provided. Allele origin: germline. Inheritance: X-linked inheritance. Affected: yes.

Clinical Genetics DNA and cytogenetics Diagnostics Lab, Erasmus MC, Erasmus Medical Center
Classification: Likely benign. Review status: no assertion criteria provided. Collection method: clinical testing. Allele origin: germline. Affected: yes. Study: VKGL Data-share Consensus. Not counted in ClinVar's aggregate classification.

Laboratory of Diagnostic Genome Analysis, Leiden University Medical Center (LUMC)
Classification: Likely benign. Review status: no assertion criteria provided. Collection method: clinical testing. Allele origin: germline. Affected: yes. Study: VKGL Data-share Consensus. Not counted in ClinVar's aggregate classification.

NM_000202.8(IDS):c.667G>A (p.Val223Ile)

Genes: IDS (iduronate 2-sulfatase; minus strand), LOC106050102 (IDS recombination region; plus strand). Cytogenetic location: Xq28.
Variant type: single nucleotide variant.
Coding change: c.667G>A on transcript NM_000202.8 (MANE Select); coding-DNA position 667, G replaced by A.
Protein change: p.Val223Ile; replaces valine 223 with isoleucine.
Molecular consequence: missense variant. On other transcripts: non-coding transcript variant (1).
Genome position (GRCh38, 1-based): chrX:149,498,148, C>T on the plus strand (G>A on the coding strand, the complement: IDS is on the minus strand). VCF-style: chrX-149498148-C-T. GRCh37 (hg19) VCF-style: chrX-148579679-C-T.
Other names: c.397G>A, p.Val133Ile (NM_001166550.4); c.667G>A, p.Val223Ile (NM_006123.5); short protein forms V223I, V133I.
Identifiers: ClinVar variation 377971 (VCV000377971.15), dbSNP rs200784263, ClinGen allele CA10537629.